The following is an entry in ClinVar:

ClinVar aggregate classification (germline): Uncertain significance (1 of 4 stars; one submission).

Submission:

GeneDx
Classification: Uncertain significance. Last evaluated: 2026-03-10. Review status: criteria provided, single submitter. Criteria: GeneDx Variant Classification Process June 2021. Collection method: clinical testing. Allele origin: germline.
Comment: Not observed at significant frequency in large population cohorts (gnomAD); Has not been previously published as pathogenic or benign to our knowledge; In silico analysis is inconclusive as to whether the variant alters gene splicing. In the absence of RNA/functional studies, the actual effect of this sequence change is unknown.

NM_001010874.5(TECRL):c.919-13T>G

Gene: TECRL (trans-2,3-enoyl-CoA reductase like; minus strand). Cytogenetic location: 4q13.1.
Variant type: single nucleotide variant.
Coding change: c.919-13T>G on transcript NM_001010874.5 (MANE Select); 13 bases into the intron before coding-DNA position 919, T replaced by G.
Molecular consequence: intron variant.
Genome position (GRCh38, 1-based): chr4:64,281,099, A>C on the plus strand (T>G on the coding strand, the complement: TECRL is on the minus strand). VCF-style: chr4-64281099-A-C. GRCh37 (hg19) VCF-style: chr4-65146817-A-C.
Other names: c.919-13T>G (NM_001363796.1).
Identifiers: ClinVar variation 5008818 (VCV005008818.1).